The following is an entry in ClinVar:

ClinVar aggregate classification (germline): Uncertain significance. Review status: criteria provided, multiple submitters, no conflicts (2 of 4 stars). 2 submissions from 2 submitters: Uncertain significance (2). Last evaluated 2023-08-07.

Conditions:
Inborn genetic diseases. Identifiers: MedGen C0950123, MeSH D030342.

gnomAD v4.1: 94 of 1,595,884 alleles (0.0059%); highest among the groups gnomAD compares: Non-Finnish European, 0.0069%; no homozygotes.

Submissions (2):

Labcorp Genetics (formerly Invitae), Labcorp
Classification: Uncertain significance. Last evaluated: 2023-08-07. Review status: criteria provided, single submitter. Criteria: Invitae Variant Classification Sherloc (09022015). Collection method: clinical testing. Allele origin: germline.
Comment: This variant has not been reported in the literature in individuals affected with PMP2-related conditions. ClinVar contains an entry for this variant (Variation ID: 1479286). Algorithms developed to predict the effect of missense changes on protein structure and function output the following: SIFT: "Not Available"; PolyPhen-2: "Benign"; Align-GVGD: "Not Available". The alanine amino acid residue is found in multiple mammalian species, which suggests that this missense change does not adversely affect protein function. In summary, the available evidence is currently insufficient to determine the role of this variant in disease. Therefore, it has been classified as a Variant of Uncertain Significance. This variant is present in population databases (rs773390955, gnomAD 0.006%). This sequence change replaces valine, which is neutral and non-polar, with alanine, which is neutral and non-polar, at codon 132 of the PMP2 protein (p.Val132Ala).

Ambry Genetics
Classification: Uncertain significance for Inborn genetic diseases. Last evaluated: 2023-06-29. Review status: criteria provided, single submitter. Criteria: Ambry Variant Classification Scheme 2023. Collection method: clinical testing. Allele origin: germline.

NM_002677.5(PMP2):c.395T>C (p.Val132Ala)

Gene: PMP2 (peripheral myelin protein 2; minus strand). Cytogenetic location: 8q21.13.
Variant type: single nucleotide variant.
Coding change: c.395T>C on transcript NM_002677.5 (MANE Select); coding-DNA position 395, T replaced by C.
Protein change: p.Val132Ala; replaces valine 132 with alanine.
Molecular consequence: missense variant. On other transcripts: 3 prime UTR variant (1).
Genome position (GRCh38, 1-based): chr8:81,443,402, A>G on the plus strand (T>C on the coding strand, the complement: PMP2 is on the minus strand). VCF-style: chr8-81443402-A-G. GRCh37 (hg19) VCF-style: chr8-82355637-A-G.
Other names: c.*39T>C (NM_001348381.2); c.395T>C (NM_002677.3); short protein forms V132A.
Identifiers: ClinVar variation 1479286 (VCV001479286.7), dbSNP rs773390955, ClinGen allele CA4791884.